The following is an entry in ClinVar:

ClinVar aggregate classification (germline): Uncertain significance (1 of 4 stars; one submission).

Submission:

Women's Health and Genetics/Laboratory Corporation of America, LabCorp
Classification: Uncertain significance. Last evaluated: 2024-10-09. Review status: criteria provided, single submitter. Criteria: LabCorp Variant Classification Summary - May 2015. Collection method: clinical testing. Allele origin: germline.
Comment: Variant summary: The variant involves the deletion of exons 4-6 in the MAP2K2 gene. This Copy Number Variant (CNV) is predicted to result in an in-frame deletion within this gene. A presumed nomenclature of c.(450+1_451-1)_(705+1_706-1)del has been designated for the purposes of this classification. Current evidence is not sufficient to establish loss of function as a mechanism for disease. The variant was absent in 21694 control chromosomes. To our knowledge, no occurrence of c.(450+1_451-1)_(705+1_706-1)del in individuals affected with Cardiofaciocutaneous Syndrome and no experimental evidence demonstrating its impact on protein function have been reported. No submitters have cited clinical-significance assessments for this variant to ClinVar. Based on the evidence outlined above, the variant was classified as uncertain significance.

NC_000019.9:g.(4099413_4101016)_(4102452_4110506)del

Gene: MAP2K2 (mitogen-activated protein kinase kinase 2; minus strand). Cytogenetic location: 19p13.3.
Variant type: Deletion.
Identifiers: ClinVar variation 3384817 (VCV003384817.1).